The following is an entry in ClinVar:

NM_000174.5(GP9):c.462G>C (p.Leu154=)

Gene: GP9 (glycoprotein IX platelet; plus strand). Cytogenetic location: 3q21.3.
Variant type: single nucleotide variant.
Coding change: c.462G>C on transcript NM_000174.5 (MANE Select); coding-DNA position 462, G replaced by C.
Protein change: p.Leu154=; no amino-acid change (leucine 154 retained).
Molecular consequence: synonymous variant.
Genome position (GRCh38, 1-based): chr3:129,062,201, G>C. VCF-style: chr3-129062201-G-C. GRCh37 (hg19) VCF-style: chr3-128781044-G-C.
Identifiers: ClinVar variation 2140390 (VCV002140390.6), dbSNP rs778098589, ClinGen allele CA82552684.

ClinVar aggregate classification (germline): Likely benign. Review status: criteria provided, single submitter (1 of 4 stars). 2 submissions from 2 submitters: Likely benign (1). 1 of the submissions does not count toward it. Last evaluated 2025-12-19.

Conditions:
GP9-related disorder. Also called: GP9-related condition.

gnomAD v4.1: 17 of 1,568,318 alleles (0.0011%); highest among the groups gnomAD compares: Non-Finnish European, 0.0014%; no homozygotes.

Submissions (2):

Labcorp Genetics (formerly Invitae), Labcorp
Classification: Likely benign. Last evaluated: 2025-12-19. Review status: criteria provided, single submitter. Criteria: Invitae Variant Classification Sherloc (09022015). Collection method: clinical testing. Allele origin: germline.

PreventionGenetics, part of Exact Sciences
Classification: Likely benign for GP9-related condition. Last evaluated: 2022-02-02. Review status: no assertion criteria provided. Collection method: clinical testing. Allele origin: germline. Not counted in ClinVar's aggregate classification.
Comment: This variant is classified as likely benign based on ACMG/AMP sequence variant interpretation guidelines (Richards et al. 2015 PMID: 25741868, with internal and published modifications).